The following is an entry in ClinVar:

NM_033409.4(SLC52A3):c.802C>A (p.Arg268=)

Gene: SLC52A3 (solute carrier family 52 member 3; minus strand). Cytogenetic location: 20p13.
Variant type: single nucleotide variant.
Coding change: c.802C>A on transcript NM_033409.4 (MANE Select); coding-DNA position 802, C replaced by A.
Protein change: p.Arg268=; no amino-acid change (arginine 268 retained).
Molecular consequence: synonymous variant.
Genome position (GRCh38, 1-based): chr20:763,769, G>T on the plus strand (C>A on the coding strand, the complement: SLC52A3 is on the minus strand). VCF-style: chr20-763769-G-T. GRCh37 (hg19) VCF-style: chr20-744413-G-T.
Other names: c.802C>A, p.Arg268= (NM_001370085.1, NM_001370086.1).
Identifiers: ClinVar variation 705993 (VCV000705993.17), dbSNP rs145498634, ClinGen allele CA9724677.

ClinVar aggregate classification (germline): Likely benign. Review status: criteria provided, multiple submitters, no conflicts (2 of 4 stars). 4 submissions from 4 submitters: Likely benign (3). 1 of the submissions does not count toward it. Last evaluated 2025-06-08.

Conditions:
Brown-Vialetto-van Laere syndrome 1. Also called: BROWN-VIALETTO-VAN LAERE SYNDROME 1, MILD; BULBAR PALSY, PROGRESSIVE, WITH SENSORINEURAL DEAFNESS; PONTOBULBAR PALSY WITH DEAFNESS. Identifiers: Orphanet 572550, Orphanet 97229, MedGen C0796274, MONDO:0024537, OMIM 211530.
SLC52A3-related disorder. Also called: SLC52A3-related condition.

Allele frequency attached by ClinVar (database versions not stated): 1000 Genomes Project 0.00020; ESP Exome Variant Server 0.00046; 1000 Genomes Project 30x 0.00031; TOPMed 0.00033.

Submissions (4):

Labcorp Genetics (formerly Invitae), Labcorp
Classification: Likely benign for Brown-Vialetto-van Laere syndrome 1. Last evaluated: 2025-06-08. Review status: criteria provided, single submitter. Criteria: Invitae Variant Classification Sherloc (09022015). Collection method: clinical testing. Allele origin: germline.

Blueprint Genetics
Classification: Likely benign. Last evaluated: 2024-08-07. Review status: criteria provided, single submitter. Criteria: ACMG Guidelines, 2015. Collection method: clinical testing. Allele origin: germline.

GeneDx
Classification: Likely benign. Last evaluated: 2021-01-27. Review status: criteria provided, single submitter. Criteria: GeneDx Variant Classification Process June 2021. Collection method: clinical testing. Allele origin: germline. Affected: yes.

PreventionGenetics, part of Exact Sciences
Classification: Likely benign for SLC52A3-related condition. Last evaluated: 2019-03-20. Review status: no assertion criteria provided. Collection method: clinical testing. Allele origin: germline. Not counted in ClinVar's aggregate classification.
Comment: This variant is classified as likely benign based on ACMG/AMP sequence variant interpretation guidelines (Richards et al. 2015 PMID: 25741868, with internal and published modifications).